The following is an entry in ClinVar:

NM_001042492.3(NF1):c.6415C>T (p.Leu2139Phe)

Gene: NF1 (neurofibromin 1; plus strand). Cytogenetic location: 17q11.2.
Variant type: single nucleotide variant.
Coding change: c.6415C>T on transcript NM_001042492.3 (MANE Select); coding-DNA position 6415, C replaced by T.
Protein change: p.Leu2139Phe; replaces leucine 2139 with phenylalanine.
Molecular consequence: missense variant.
Genome position (GRCh38, 1-based): chr17:31,336,902, C>T. VCF-style: chr17-31336902-C-T. GRCh37 (hg19) VCF-style: chr17-29663920-C-T.
Other names: c.6352C>T, p.Leu2118Phe (NM_000267.4); short protein forms L2118F, L2139F.
Identifiers: ClinVar variation 1716489 (VCV001716489.5), dbSNP rs2508750187, ClinGen allele CA399012943.

ClinVar aggregate classification (germline): Uncertain significance (1 of 4 stars; one submission).

Conditions:
Neurofibromatosis, type 1 (NF1). Also called: Peripheral type neurofibromatosis; VON RECKLINGHAUSEN DISEASE; NEUROFIBROMATOSIS, TYPE I, SOMATIC; Neurofibromatosis, type I. Identifiers: Orphanet 636, MedGen C0027831, MONDO:0018975, OMIM 162200. Disease mechanism: loss of function.

Submission:

Labcorp Genetics (formerly Invitae), Labcorp
Classification: Uncertain significance for Neurofibromatosis, type 1. Last evaluated: 2022-08-16. Review status: criteria provided, single submitter. Criteria: Invitae Variant Classification Sherloc (09022015). Collection method: clinical testing. Allele origin: germline.
Comment: In summary, the available evidence is currently insufficient to determine the role of this variant in disease. Therefore, it has been classified as a Variant of Uncertain Significance. Algorithms developed to predict the effect of missense changes on protein structure and function are either unavailable or do not agree on the potential impact of this missense change (SIFT: "Deleterious"; PolyPhen-2: "Probably Damaging"; Align-GVGD: "Class C0"). This variant has not been reported in the literature in individuals affected with NF1-related conditions. This variant is not present in population databases (gnomAD no frequency). This sequence change replaces leucine, which is neutral and non-polar, with phenylalanine, which is neutral and non-polar, at codon 2118 of the NF1 protein (p.Leu2118Phe).